The following is an entry in ClinVar:

NM_203416.4(CD163):c.1024A>G (p.Ile342Val)

Gene: CD163 (CD163 molecule; minus strand). Cytogenetic location: 12p13.31.
Variant type: single nucleotide variant.
Coding change: c.1024A>G on transcript NM_203416.4 (MANE Select); coding-DNA position 1024, A replaced by G.
Protein change: p.Ile342Val; replaces isoleucine 342 with valine.
Molecular consequence: missense variant. On other transcripts: non-coding transcript variant (1).
Genome position (GRCh38, 1-based): chr12:7,496,888, T>C on the plus strand (A>G on the coding strand, the complement: CD163 is on the minus strand). VCF-style: chr12-7496888-T-C. GRCh37 (hg19) VCF-style: chr12-7649484-T-C.
Other names: c.1024A>G, p.Ile342Val (NM_001370145.1, NM_001370146.1, NM_004244.6); short protein forms I342V.
Identifiers: ClinVar variation 1253566 (VCV001253566.3), dbSNP rs4883263, ClinGen allele CA6428708.
Genomic context (GRCh38, chr12:7,496,888, plus strand): 5'-CAGCATCTTCATTGTGATTGCAATAATGCTTTCCCCATTCATGGTGTTTACATTGCCAGA[T>C]AGCAGGTTCATGTCCCTGGCAAGAAACGCTGTCAAGCCAGATGTGTCCAAATCCCTTACT-3'
Protein context (NP_981961.2, residues 332-352): SVSCQGHEPA[Ile342Val]WQCKHHEWGK

ClinVar aggregate classification (germline): Benign. Review status: criteria provided, multiple submitters, no conflicts (2 of 4 stars). 2 submissions from 2 submitters: Benign (2). Last evaluated 2019-01-09.

Allele frequency attached by ClinVar (database versions not stated): 1000 Genomes Project 30x 0.75734; 1000 Genomes Project 0.76258; TOPMed 0.82653; gnomAD 0.84647 and 0.84719; ESP Exome Variant Server 0.85215; ExAC 0.88702.

Submissions (2):

GeneDx
Classification: Benign. Last evaluated: 2019-01-09. Review status: criteria provided, single submitter. Criteria: GeneDx Variant Classification Process June 2021. Collection method: clinical testing. Allele origin: germline. Affected: yes.
Comment: This variant is associated with the following publications: (PMID: 29083407)

Breakthrough Genomics
Classification: Benign. Review status: criteria provided, single submitter. Criteria: ACMG Guidelines, 2015. Collection method: not provided. Allele origin: germline. Inheritance: Unknown mechanism. Affected: yes.